The following is an entry in ClinVar:

ClinVar aggregate classification (germline): Benign. Review status: criteria provided, single submitter (1 of 4 stars). 2 submissions from 2 submitters: Benign (1). 1 of the submissions does not count toward it. Last evaluated 2026-09-01.

Conditions:
Autism (AUTS). Also called: Autistic disorder; Autistic disorder of childhood onset. Identifiers: MedGen C0004352, MeSH D001321, MONDO:0005260, OMIM 209850, HP:0000717.

Allele frequency attached by ClinVar (database versions not stated): 1000 Genomes Project 0.00679; 1000 Genomes Project 30x 0.00718; TOPMed 0.01108; gnomAD 0.01113 and 0.01121.
gnomAD v4.1: 1,707 of 152,200 alleles (1.1%); highest among the groups gnomAD compares: Middle Eastern, 1.7%; 18 homozygotes.

Submissions (2):

CeGaT Center for Human Genetics Tuebingen
Classification: Benign. Last evaluated: 2026-09-01. Review status: criteria provided, single submitter. Criteria: CeGaT Center For Human Genetics Tuebingen Variant Classification Criteria Version 2. Collection method: clinical testing. Allele origin: germline. Affected: yes. Observed: 11 variant alleles.
Comment: NRXN3: BS1, BS2

Michaelson Lab, University of Iowa
Classification: Uncertain significance for Autism. Last evaluated: 2018-08-01. Review status: no assertion criteria provided. Collection method: research. Allele origin: maternal, unknown. Affected: yes and no. Observed: 3 variant alleles. Not counted in ClinVar's aggregate classification.

NM_001330195.2(NRXN3):c.758-160258G>A

Gene: NRXN3 (neurexin 3; plus strand). Cytogenetic location: 14q24.3.
Variant type: single nucleotide variant.
Coding change: c.758-160258G>A on transcript NM_001330195.2 (MANE Select); 160258 bases into the intron before coding-DNA position 758, G replaced by A.
Molecular consequence: intron variant.
Genome position (GRCh38, 1-based): chr14:78,484,862, G>A. VCF-style: chr14-78484862-G-A. GRCh37 (hg19) VCF-style: chr14-78951205-G-A.
Other names: c.770-160258G>A (NM_001366426.1); c.758-160258G>A (NM_001366425.1); c.-363+80984G>A (NM_004796.6).
Identifiers: ClinVar variation 590907 (VCV000590907.27), dbSNP rs117696080, ClinGen allele CA264096143.